The following is an entry in ClinVar:

NM_001267550.2(TTN):c.20324del (p.Asn6775fs)

Gene: TTN (titin; minus strand). Cytogenetic location: 2q31.2.
Variant type: Deletion.
Coding change: c.20324del on transcript NM_001267550.2 (MANE Select); coding-DNA position 20324, one base deleted (A; older notation c.20324delA).
Protein change: p.Asn6775fs; shifts the reading frame from asparagine 6775.
Molecular consequence: frameshift variant. On other transcripts: intron variant (3).
Genome position (GRCh38, 1-based): chr2:178,725,998, T deleted on the plus strand (A on the coding strand, the reverse complement: TTN is on the minus strand); the first of 5 consecutive T bases (chr2:178,725,998-178,726,002); deleting any one gives the same sequence. VCF-style (leftmost placement, unchanged base first): chr2-178725997-AT-A. GRCh37 (hg19) VCF-style: chr2-179590724-AT-A.
Other names: c.20324delA (NM_001267550.2); c.19373del, p.Asn6458fs (NM_001256850.1); c.16592del, p.Asn5531fs (NM_133378.4); c.13282+12084del (NM_003319.4); c.13858+12084del (NM_133437.4); c.13657+12084del (NM_133432.3); short protein forms N5531fs, N6458fs, N6775fs.
Identifiers: ClinVar variation 657668 (VCV000657668.9), dbSNP rs1578084690, ClinGen allele CA645514524.

ClinVar aggregate classification (germline): Likely pathogenic (1 of 4 stars; one submission).

Conditions:
Dilated cardiomyopathy 1G (CMD1G). Identifiers: Orphanet 154, MedGen C1858763, MONDO:0011400, OMIM 604145.
Autosomal recessive limb-girdle muscular dystrophy type 2J (LGMDR10). Also called: Limb-girdle muscular dystrophy, type 2J; MUSCULAR DYSTROPHY, LIMB-GIRDLE, AUTOSOMAL RECESSIVE 10. Identifiers: Orphanet 140922, MedGen C1837342, MONDO:0012127, OMIM 608807.

Submission:

Labcorp Genetics (formerly Invitae), Labcorp
Classification: Likely pathogenic for Dilated cardiomyopathy 1G; Autosomal recessive limb-girdle muscular dystrophy type 2J. Last evaluated: 2024-04-22. Review status: criteria provided, single submitter. Criteria: Invitae Variant Classification Sherloc (09022015). Collection method: clinical testing. Allele origin: germline.
Comment: This sequence change creates a premature translational stop signal (p.Asn6775Metfs*74) in the TTN gene. While this is not anticipated to result in nonsense mediated decay, it is expected to create a truncated TTN protein. This variant is not present in population databases (gnomAD no frequency). This variant has not been reported in the literature in individuals affected with TTN-related conditions. ClinVar contains an entry for this variant (Variation ID: 657668). This variant is located in the I band of TTN (PMID: 25589632). Truncating variants in this region have been reported in individuals affected with autosomal recessive centronuclear myopathy (PMID: 23975875, Invitae internal data). Truncating variants in this region have also been identified in individuals affected with autosomal dominant dilated cardiomyopathy and/or cardio-related conditions (PMID: 27869827, 32964742, Invitae internal data). In summary, the currently available evidence indicates that the variant is pathogenic, but additional data are needed to prove that conclusively. Therefore, this variant has been classified as Likely Pathogenic.

Literature cited by the submitters: PubMed 25589632; PubMed 23975875; PubMed 27869827; PubMed 32964742.